The following is an entry in ClinVar:

NM_000350.3(ABCA4):c.3663G>A (p.Leu1221=)

Genes: ABCA4 (ATP binding cassette subfamily A member 4; minus strand), LOC126805794 (BRD4-independent group 4 enhancer GRCh37_chr1:94502188-94503387; plus strand). Cytogenetic location: 1p22.1.
Variant type: single nucleotide variant.
Coding change: c.3663G>A on transcript NM_000350.3 (MANE Select); coding-DNA position 3663, G replaced by A.
Protein change: p.Leu1221=; no amino-acid change (leucine 1221 retained).
Molecular consequence: synonymous variant.
Genome position (GRCh38, 1-based): chr1:94,037,295, C>T on the plus strand (G>A on the coding strand, the complement: ABCA4 is on the minus strand). VCF-style: chr1-94037295-C-T. GRCh37 (hg19) VCF-style: chr1-94502851-C-T.
Other names: c.3441G>A, p.Leu1147= (NM_001425324.1).
Identifiers: ClinVar variation 719588 (VCV000719588.12), dbSNP rs202109945, ClinGen allele CA957856.

ClinVar aggregate classification (germline): Conflicting classifications of pathogenicity. Review status: criteria provided, conflicting classifications (1 of 4 stars). 4 submissions from 4 submitters: Uncertain significance (1); Likely benign (3). Last evaluated 2025-12-29.

Conditions:
ABCA4-related disorder. Also called: ABCA4-related disorders; ABCA4-related condition. Identifiers: MedGen CN239167.

Allele frequency attached by ClinVar (database versions not stated): ExAC 0.00003; gnomAD exomes 0.00004; gnomAD 0.00006; TOPMed 0.00006.
gnomAD v4.1: 90 of 1,614,100 alleles (0.0056%); highest among the groups gnomAD compares: Non-Finnish European, 0.0075%; no homozygotes.

Submissions (4):

Labcorp Genetics (formerly Invitae), Labcorp
Classification: Likely benign. Last evaluated: 2025-12-29. Review status: criteria provided, single submitter. Criteria: Invitae Variant Classification Sherloc (09022015). Collection method: clinical testing. Allele origin: germline.

Revvity Omics, Revvity
Classification: Uncertain significance. Last evaluated: 2024-10-23. Review status: criteria provided, single submitter. Criteria: ACMG Guidelines, 2015. Collection method: clinical testing. Allele origin: germline.

PreventionGenetics, part of Exact Sciences
Classification: Likely benign for ABCA4-related condition. Last evaluated: 2024-10-19. Review status: criteria provided, single submitter. Criteria: ACMG Guidelines, 2015. Collection method: clinical testing. Allele origin: germline.
Comment: This variant is classified as likely benign based on ACMG/AMP sequence variant interpretation guidelines (Richards et al. 2015 PMID: 25741868, with internal and published modifications).

Blueprint Genetics
Classification: Likely benign. Last evaluated: 2024-06-14. Review status: criteria provided, single submitter. Criteria: ACMG Guidelines, 2015. Collection method: clinical testing. Allele origin: germline.